The following is an entry in ClinVar:

ClinVar aggregate classification (germline): Uncertain significance. Review status: criteria provided, multiple submitters, no conflicts (2 of 4 stars). 2 submissions from 2 submitters: Uncertain significance (2). Last evaluated 2025-05-01.

Conditions:
Knobloch syndrome 1 (KNO1). Identifiers: MedGen C4551775, MONDO:0800167, OMIM 267750.

Allele frequency attached by ClinVar (database versions not stated): gnomAD exomes 0.00002.
gnomAD v4.1: 21 of 1,517,338 alleles (0.0014%); highest among the groups gnomAD compares: Non-Finnish European, 0.0017%; no homozygotes.

Submissions (2):

Labcorp Genetics (formerly Invitae), Labcorp
Classification: Uncertain significance. Last evaluated: 2025-05-01. Review status: criteria provided, single submitter. Criteria: Invitae Variant Classification Sherloc (09022015). Collection method: clinical testing. Allele origin: germline.
Comment: This sequence change replaces proline, which is neutral and non-polar, with serine, which is neutral and polar, at codon 944 of the COL18A1 protein (p.Pro944Ser). The frequency data for this variant in the population databases is considered unreliable, as metrics indicate poor data quality at this position in the gnomAD database. This variant has not been reported in the literature in individuals affected with COL18A1-related conditions. ClinVar contains an entry for this variant (Variation ID: 2077243). Experimental studies and prediction algorithms are not available or were not evaluated, and the functional significance of this variant is currently unknown. In summary, the available evidence is currently insufficient to determine the role of this variant in disease. Therefore, it has been classified as a Variant of Uncertain Significance.

Department of Pathology and Laboratory Medicine, Sinai Health System
Classification: Uncertain significance for Knobloch syndrome 1. Last evaluated: 2022-07-27. Review status: criteria provided, single submitter. Criteria: ACMG Guidelines, 2015. Collection method: research. Allele origin: germline.

NM_001379500.1(COL18A1):c.2830C>T (p.Pro944Ser)

Genes: SLC19A1 (solute carrier family 19 member 1; minus strand), COL18A1 (collagen type XVIII alpha 1 chain; plus strand). Cytogenetic location: 21q22.3.
Variant type: single nucleotide variant.
Coding change: c.2830C>T on transcript NM_001379500.1 (MANE Select); coding-DNA position 2830, C replaced by T.
Protein change: p.Pro944Ser; replaces proline 944 with serine.
Molecular consequence: missense variant.
Genome position (GRCh38, 1-based): chr21:45,504,527, C>T. VCF-style: chr21-45504527-C-T. GRCh37 (hg19) VCF-style: chr21-46924441-C-T.
Other names: c.3370C>T, p.Pro1124Ser (NM_030582.4); c.4075C>T, p.Pro1359Ser (NM_130444.3); short protein forms P1359S, P1124S, P944S.
Identifiers: ClinVar variation 2077243 (VCV002077243.5), dbSNP rs1198903884, ClinGen allele CA410499301.
Genomic context (GRCh38, chr21:45,504,527, plus strand): 5'-CCCGGGGGCGGCGGTTTCTTCGGCTCCAGCCTGCCCGGCCCCCCCGGCCCCCCAGGCCCC[C>T]CAGGCCCACGTGGCTACCCTGGGATTCCAGTAAGTCCCAGCCTGTGCAGGCAGAGCCCAT-3'
Protein context (NP_001366429.1, residues 934-954): GSSLPGPPGP[Pro944Ser]GPPGPRGYPG